The following is an entry in ClinVar:

ClinVar aggregate classification (germline): Uncertain significance (1 of 4 stars; one submission).

Conditions:
Hereditary cancer-predisposing syndrome. Also called: Hereditary Cancer Syndrome; Neoplastic Syndromes, Hereditary; Tumor predisposition; Hereditary neoplastic syndrome. Identifiers: Orphanet 140162, MedGen C0027672, MeSH D009386, MONDO:0015356.

Submission:

Ambry Genetics
Classification: Uncertain significance for Hereditary cancer-predisposing syndrome. Last evaluated: 2021-04-14. Review status: criteria provided, single submitter. Criteria: Ambry Variant Classification Scheme 2023. Collection method: clinical testing. Allele origin: germline.
Comment: The p.E487Q variant (also known as c.1459G>C), located in coding exon 4 of the MSH6 gene, results from a G to C substitution at nucleotide position 1459. The glutamic acid at codon 487 is replaced by glutamine, an amino acid with highly similar properties. This amino acid position is highly conserved in available vertebrate species. In addition, this alteration is predicted to be deleterious by in silico analysis. Since supporting evidence is limited at this time, the clinical significance of this alteration remains unclear.

NM_000179.3(MSH6):c.1459G>C (p.Glu487Gln)

Gene: MSH6 (mutS homolog 6; plus strand). Cytogenetic location: 2p16.3.
Variant type: single nucleotide variant.
Coding change: c.1459G>C on transcript NM_000179.3 (MANE Select); coding-DNA position 1459, G replaced by C.
Protein change: p.Glu487Gln; replaces glutamic acid 487 with glutamine.
Molecular consequence: missense variant.
Genome position (GRCh38, 1-based): chr2:47,799,442, G>C. VCF-style: chr2-47799442-G-C. GRCh37 (hg19) VCF-style: chr2-48026581-G-C.
Other names: c.1069G>C, p.Glu357Gln (NM_001281492.2); c.553G>C, p.Glu185Gln (NM_001281493.2, NM_001281494.2); short protein forms E487Q, E185Q, E357Q.
Identifiers: ClinVar variation 479964 (VCV000479964.5), dbSNP rs1469561474, ClinGen allele CA346745762.